The following is an entry in ClinVar:

NM_005876.5(SPEG):c.4276C>G (p.Arg1426Gly)

Gene: SPEG (striated muscle enriched protein kinase; plus strand). Cytogenetic location: 2q35.
Variant type: single nucleotide variant.
Coding change: c.4276C>G on transcript NM_005876.5 (MANE Select); coding-DNA position 4276, C replaced by G.
Protein change: p.Arg1426Gly; replaces arginine 1426 with glycine.
Molecular consequence: missense variant.
Genome position (GRCh38, 1-based): chr2:219,473,732, C>G. VCF-style: chr2-219473732-C-G. GRCh37 (hg19) VCF-style: chr2-220338454-C-G.
Other names: short protein forms R1426G.
Identifiers: ClinVar variation 1992652 (VCV001992652.4), dbSNP rs587777673, ClinGen allele CA350677012.

ClinVar aggregate classification (germline): Uncertain significance (1 of 4 stars; one submission).

Submission:

Labcorp Genetics (formerly Invitae), Labcorp
Classification: Uncertain significance. Last evaluated: 2022-05-17. Review status: criteria provided, single submitter. Criteria: Invitae Variant Classification Sherloc (09022015). Collection method: clinical testing. Allele origin: germline.
Comment: This sequence change replaces arginine, which is basic and polar, with glycine, which is neutral and non-polar, at codon 1426 of the SPEG protein (p.Arg1426Gly). This variant is not present in population databases (gnomAD no frequency). This variant has not been reported in the literature in individuals affected with SPEG-related conditions. Algorithms developed to predict the effect of missense changes on protein structure and function are either unavailable or do not agree on the potential impact of this missense change (SIFT: "Deleterious"; PolyPhen-2: "Benign"; Align-GVGD: "Class C0"). In summary, the available evidence is currently insufficient to determine the role of this variant in disease. Therefore, it has been classified as a Variant of Uncertain Significance.